The following is an entry in ClinVar:

ClinVar aggregate classification (germline): Uncertain significance (1 of 4 stars; one submission).

Conditions:
Brugada syndrome 8 (BRGDA8). Identifiers: Orphanet 130, MedGen C2751083, MONDO:0013148, OMIM 613123.

Allele frequency attached by ClinVar (database versions not stated): gnomAD exomes below 0.00001; TOPMed below 0.00001; ExAC 0.00002.
gnomAD v4.1: 1 of 1,614,180 alleles (0.000062%); highest among the groups gnomAD compares: Admixed American, 0.0017%; no homozygotes.

Submission:

Labcorp Genetics (formerly Invitae), Labcorp
Classification: Uncertain significance for Brugada syndrome 8. Last evaluated: 2022-09-13. Review status: criteria provided, single submitter. Criteria: Invitae Variant Classification Sherloc (09022015). Collection method: clinical testing. Allele origin: germline.
Comment: This variant has not been reported in the literature in individuals affected with HCN4-related conditions. This variant is present in population databases (rs772092664, gnomAD 0.01%). This sequence change replaces isoleucine, which is neutral and non-polar, with valine, which is neutral and non-polar, at codon 355 of the HCN4 protein (p.Ile355Val). Advanced modeling of protein sequence and biophysical properties (such as structural, functional, and spatial information, amino acid conservation, physicochemical variation, residue mobility, and thermodynamic stability) performed at Invitae indicates that this missense variant is not expected to disrupt HCN4 protein function. In summary, the available evidence is currently insufficient to determine the role of this variant in disease. Therefore, it has been classified as a Variant of Uncertain Significance.

NM_005477.3(HCN4):c.1063A>G (p.Ile355Val)

Genes: HCN4 (hyperpolarization activated cyclic nucleotide gated potassium channel 4; minus strand), LOC105370890 (uncharacterized LOC105370890; plus strand), LOC126862173 (CDK7 strongly-dependent group 2 enhancer GRCh37_chr15:73635762-73636961; plus strand). Cytogenetic location: 15q24.1.
Variant type: single nucleotide variant.
Coding change: c.1063A>G on transcript NM_005477.3 (MANE Select); coding-DNA position 1063, A replaced by G.
Protein change: p.Ile355Val; replaces isoleucine 355 with valine.
Molecular consequence: missense variant.
Genome position (GRCh38, 1-based): chr15:73,343,531, T>C on the plus strand (A>G on the coding strand, the complement: HCN4 is on the minus strand). VCF-style: chr15-73343531-T-C. GRCh37 (hg19) VCF-style: chr15-73635872-T-C.
Other names: short protein forms I355V.
Identifiers: ClinVar variation 1977079 (VCV001977079.5), dbSNP rs772092664, ClinGen allele CA7649375.
Genomic context (GRCh38, chr15:73,343,531, plus strand): 5'-GCAGGGCCCGGGCAGTCTTGTAGACCTCCGAGTCGATGCGTGTCTCCACAATGAGGAAGA[T>C]GTAGTCCACGGGGATGGAGGAAATGAAATCTACCATGAACCAGCTTTTCAGGTACTTCAT-3'
Protein context (NP_005468.1, residues 345-365): DFISSIPVDY[Ile355Val]FLIVETRIDS